The following is an entry in ClinVar:

NM_001039213.4(CEACAM16):c.219C>T (p.Gly73=)

Genes: CEACAM16 (CEA cell adhesion molecule 16, tectorial membrane component; plus strand), CEACAM16-AS1 (CEACAM16, CEACAM19 and PVR antisense RNA 1; minus strand). Cytogenetic location: 19q13.32.
Variant type: single nucleotide variant.
Coding change: c.219C>T on transcript NM_001039213.4 (MANE Select); coding-DNA position 219, C replaced by T.
Protein change: p.Gly73=; no amino-acid change (glycine 73 retained).
Molecular consequence: synonymous variant.
Genome position (GRCh38, 1-based): chr19:44,703,530, C>T. VCF-style: chr19-44703530-C-T. GRCh37 (hg19) VCF-style: chr19-45206800-C-T.
Identifiers: ClinVar variation 1658446 (VCV001658446.34), dbSNP rs534225927, ClinGen allele CA9502982.

ClinVar aggregate classification (germline): Benign/Likely benign. Review status: criteria provided, multiple submitters, no conflicts (2 of 4 stars). 2 submissions from 2 submitters: Benign (1); Likely benign (1). Last evaluated 2025-12-06.

Allele frequency attached by ClinVar (database versions not stated): ExAC 0.00006; 1000 Genomes Project 30x 0.00031; 1000 Genomes Project 0.00040.
gnomAD v4.1: 94 of 1,613,564 alleles (0.0058%); highest among the groups gnomAD compares: Admixed American, 0.078%; no homozygotes.

Submissions (2):

Labcorp Genetics (formerly Invitae), Labcorp
Classification: Benign. Last evaluated: 2025-12-06. Review status: criteria provided, single submitter. Criteria: Invitae Variant Classification Sherloc (09022015). Collection method: clinical testing. Allele origin: germline.

CeGaT Center for Human Genetics Tuebingen
Classification: Likely benign. Last evaluated: 2022-11-01. Review status: criteria provided, single submitter. Criteria: CeGaT Center For Human Genetics Tuebingen Variant Classification Criteria Version 2. Collection method: clinical testing. Allele origin: germline. Affected: yes. Observed: 1 variant allele.
Comment: CEACAM16: BP4, BP7